The following is an entry in ClinVar:

NM_000170.3(GLDC):c.1156-7C>G

Gene: GLDC (glycine decarboxylase; minus strand). Cytogenetic location: 9p24.1.
Variant type: single nucleotide variant.
Coding change: c.1156-7C>G on transcript NM_000170.3 (MANE Select); 7 bases into the intron before coding-DNA position 1156, C replaced by G.
Molecular consequence: intron variant.
Genome position (GRCh38, 1-based): chr9:6,595,126, G>C on the plus strand (C>G on the coding strand, the complement: GLDC is on the minus strand). VCF-style: chr9-6595126-G-C. GRCh37 (hg19) VCF-style: chr9-6595126-G-C.
Identifiers: ClinVar variation 367195 (VCV000367195.59), dbSNP rs150095531, ClinGen allele CA4980824.

ClinVar aggregate classification (germline): Conflicting classifications of pathogenicity. Review status: criteria provided, conflicting classifications (1 of 4 stars). 12 submissions from 12 submitters: Uncertain significance (1); Benign (2); Likely benign (4). 5 of the submissions do not count toward it. Last evaluated 2026-05-01.

Conditions:
Glycine encephalopathy. Also called: Nonketotic hyperglycinemia; Non-ketotic hyperglycinemia. Identifiers: Orphanet 407, MedGen C0751748, MONDO:0011612, HP:0008288.
GLDC-related disorder. Also called: GLDC-related condition.

Allele frequency attached by ClinVar (database versions not stated): TOPMed 0.00082; ESP Exome Variant Server 0.00100; 1000 Genomes Project 30x 0.00109; 1000 Genomes Project 0.00140; gnomAD exomes 0.00202; gnomAD 0.00208.
gnomAD v4.1: 2,542 of 1,570,224 alleles (0.16%); highest among the groups gnomAD compares: Non-Finnish European, 0.15%; 11 homozygotes.

Submissions (14):

CeGaT Center for Human Genetics Tuebingen
Classification: Likely benign. Last evaluated: 2026-05-01. Review status: criteria provided, single submitter. Criteria: CeGaT Center For Human Genetics Tuebingen Variant Classification Criteria Version 2. Collection method: clinical testing. Allele origin: germline. Affected: yes. Observed: 8 variant alleles.
Comment: GLDC: BP4, BS1

Labcorp Genetics (formerly Invitae), Labcorp
Classification: Benign for Glycine encephalopathy. Last evaluated: 2026-01-26. Review status: criteria provided, single submitter. Criteria: Invitae Variant Classification Sherloc (09022015). Collection method: clinical testing. Allele origin: germline.

Blueprint Genetics
Classification: Likely benign. Last evaluated: 2024-11-07. Review status: criteria provided, single submitter. Criteria: ACMG Guidelines, 2015. Collection method: clinical testing. Allele origin: germline.

Center for Genomics, Ann and Robert H. Lurie Children's Hospital of Chicago
Classification: Likely benign for Glycine encephalopathy 1. Last evaluated: 2021-03-30. Review status: criteria provided, single submitter. Criteria: ACMG Guidelines, 2015. Collection method: clinical testing. Allele origin: germline.
Comment: GLDC NM_000170.2 intron 8 c.1156-7C>G: This variant has not been reported in the literature but is present in 0.9% (101/10472) of Finnish alleles in the Genome Aggregation Database, including one homozygote. This variant is also present in ClinVar, with multiple labs classifying this variant as benign or likely benign (Variation ID:367195). Evolutionary conservation and computational predictive tools for this variant are limited or unavailable. Although this variant occurs in the splice region, computational prediction tools do not suggest that it alters splicing. However, further studies are needed to understand its impact. In summary, data on this variant suggests that this variant does not cause disease, but requires further evidence. Therefore this variant is classified as likely benign.

GeneDx
Classification: Likely benign. Last evaluated: 2020-10-21. Review status: criteria provided, single submitter. Criteria: GeneDx Variant Classification Process June 2021. Collection method: clinical testing. Allele origin: germline. Affected: yes.

Athena Diagnostics
Classification: Benign. Last evaluated: 2019-03-13. Review status: criteria provided, single submitter. Criteria: Athena Diagnostics Criteria. Collection method: clinical testing. Allele origin: germline.

Illumina Laboratory Services, Illumina
Classification: Uncertain significance for Glycine encephalopathy 1. Last evaluated: 2018-01-13. Review status: criteria provided, single submitter. Criteria: ICSL Variant Classification Criteria 13 December 2019. Collection method: clinical testing. Allele origin: germline.

PreventionGenetics, part of Exact Sciences
Classification: Benign for GLDC-related condition. Last evaluated: 2021-02-11. Review status: no assertion criteria provided. Collection method: clinical testing. Allele origin: germline. Not counted in ClinVar's aggregate classification.
Comment: This variant is classified as benign based on ACMG/AMP sequence variant interpretation guidelines (Richards et al. 2015 PMID: 25741868, with internal and published modifications).

Natera, Inc.
Classification: Benign for Non-ketotic hyperglycinemia. Last evaluated: 2020-09-16. Review status: no assertion criteria provided. Collection method: clinical testing. Allele origin: germline. Not counted in ClinVar's aggregate classification.

Clinical Genetics DNA and cytogenetics Diagnostics Lab, Erasmus MC, Erasmus Medical Center
Classification: Likely benign. Review status: no assertion criteria provided. Collection method: clinical testing. Allele origin: germline. Affected: yes. Study: VKGL Data-share Consensus. Not counted in ClinVar's aggregate classification.

Diagnostic Laboratory, Department of Genetics, University Medical Center Groningen
Classification: Likely benign for Glycine encephalopathy 1. Review status: no assertion criteria provided. Collection method: clinical testing. Allele origin: germline. Affected: yes. Study: VKGL Data-share Consensus. Not counted in ClinVar's aggregate classification.

Dr. Peter K. Rogan Lab, Western University
No classification provided (evidence only). Condition: Familial pancreatic carcinoma. Review status: no classification provided. Collection method: in vitro. Allele origin: not applicable. Functional consequence: retained intron. Not counted in ClinVar's aggregate classification.

Dr. Peter K. Rogan Lab, Western University
No classification provided (evidence only). Condition: Ovarian cancer. Review status: no classification provided. Collection method: in vitro. Allele origin: not applicable. Functional consequence: retained intron. Not counted in ClinVar's aggregate classification.

Genome Diagnostics Laboratory, University Medical Center Utrecht
Classification: Likely benign. Review status: no assertion criteria provided. Collection method: clinical testing. Allele origin: germline. Affected: yes. Study: VKGL Data-share Consensus. Not counted in ClinVar's aggregate classification.